The following is an entry in ClinVar:

NM_004360.5(CDH1):c.1392C>T (p.Val464=)

Gene: CDH1 (cadherin 1; plus strand). Cytogenetic location: 16q22.1.
Variant type: single nucleotide variant.
Coding change: c.1392C>T on transcript NM_004360.5 (MANE Select); coding-DNA position 1392, C replaced by T.
Protein change: p.Val464=; no amino-acid change (valine 464 retained).
Molecular consequence: synonymous variant. On other transcripts: 5 prime UTR variant (2).
Genome position (GRCh38, 1-based): chr16:68,815,586, C>T. VCF-style: chr16-68815586-C-T. GRCh37 (hg19) VCF-style: chr16-68849489-C-T.
Other names: c.1392C>T (LRG_301t1); c.1209C>T, p.Val403= (NM_001317184.2); c.-157C>T (NM_001317185.2); c.-428C>T (NM_001317186.2).
Identifiers: ClinVar variation 184067 (VCV000184067.25), dbSNP rs373811706, ClinGen allele CA187680.

ClinVar aggregate classification (germline): Conflicting classifications of pathogenicity. Review status: criteria provided, conflicting classifications (1 of 4 stars). 11 submissions from 11 submitters: Uncertain significance (1); Benign (2); Likely benign (8). Last evaluated 2026-01-21.

Conditions:
CDH1-related disorder. Also called: CDH1-related condition.
Hereditary cancer-predisposing syndrome. Also called: Neoplastic Syndromes, Hereditary; Tumor predisposition; Hereditary neoplastic syndrome; Hereditary Cancer Syndrome. Identifiers: Orphanet 140162, MedGen C0027672, MeSH D009386, MONDO:0015356.
Hereditary diffuse gastric adenocarcinoma (HDGC). Also called: DIFFUSE GASTRIC AND LOBULAR BREAST CANCER SYNDROME. Identifiers: Orphanet 26106, MedGen C1708349, MONDO:0007648, OMIM 137215.

Allele frequency attached by ClinVar (database versions not stated): ExAC 0.00002; gnomAD exomes 0.00002; TOPMed 0.00003; gnomAD 0.00004; ESP Exome Variant Server 0.00008.

Submissions (11):

Labcorp Genetics (formerly Invitae), Labcorp
Classification: Likely benign for Hereditary diffuse gastric adenocarcinoma. Last evaluated: 2026-01-21. Review status: criteria provided, single submitter. Criteria: Invitae Variant Classification Sherloc (09022015). Collection method: clinical testing. Allele origin: germline.

PreventionGenetics, part of Exact Sciences
Classification: Likely benign for CDH1-related condition. Last evaluated: 2025-04-03. Review status: criteria provided, single submitter. Criteria: ACMG Guidelines, 2015. Collection method: clinical testing. Allele origin: germline.
Comment: This variant is classified as likely benign based on ACMG/AMP sequence variant interpretation guidelines (Richards et al. 2015 PMID: 25741868, with internal and published modifications).

Center for Genomic Medicine, Rigshospitalet, Copenhagen University Hospital
Classification: Likely benign. Last evaluated: 2025-03-04. Review status: criteria provided, single submitter. Criteria: ACMG Guidelines, 2015. Collection method: clinical testing. Allele origin: germline.

Myriad Genetics, Inc.
Classification: Benign for Hereditary diffuse gastric adenocarcinoma. Last evaluated: 2024-09-18. Review status: criteria provided, single submitter. Criteria: Myriad Autosomal Dominant, Autosomal Recessive and X-Linked Classification Criteria (2023). Collection method: clinical testing. Allele origin: unknown.
Comment: This variant is considered benign. This variant is a silent/synonymous amino acid change and it is not expected to impact splicing.

Blueprint Genetics
Classification: Likely benign. Last evaluated: 2024-09-03. Review status: criteria provided, single submitter. Criteria: ACMG Guidelines, 2015. Collection method: clinical testing. Allele origin: germline.

Quest Diagnostics Nichols Institute San Juan Capistrano
Classification: Likely benign. Last evaluated: 2023-09-16. Review status: criteria provided, single submitter. Criteria: Quest Diagnostics criteria. Collection method: clinical testing. Allele origin: unknown.

European Reference Network on Genetic Tumour Risk Syndromes (ERN-GENTURIS), i3s - Instituto de Investigação e Inovação em Saúde, University of Porto
Classification: Uncertain significance for Hereditary diffuse gastric adenocarcinoma. Last evaluated: 2022-08-01. Review status: criteria provided, single submitter. Criteria: Lee et al. (Hum Mutat. 2018). Collection method: clinical testing. Allele origin: germline. Inheritance: Autosomal dominant inheritance. Affected: no. Study: ERN GENTURIS.
Comment: BP7 (PMID: 30311375)

Women's Health and Genetics/Laboratory Corporation of America, LabCorp
Classification: Likely benign. Last evaluated: 2019-08-08. Review status: criteria provided, single submitter. Criteria: LabCorp Variant Classification Summary - May 2015. Collection method: clinical testing. Allele origin: germline.

Color Diagnostics, LLC DBA Color Health
Classification: Likely benign for Hereditary cancer-predisposing syndrome. Last evaluated: 2016-03-08. Review status: criteria provided, single submitter. Criteria: ACMG Guidelines, 2015. Collection method: clinical testing. Allele origin: germline.

GeneDx
Classification: Benign. Last evaluated: 2015-04-07. Review status: criteria provided, single submitter. Criteria: GeneDx Variant Classification (06012015). Collection method: clinical testing. Allele origin: germline. Affected: yes.
Comment: This variant is considered likely benign or benign based on one or more of the following criteria: it is a conservative change, it occurs at a poorly conserved position in the protein, it is predicted to be benign by multiple in silico algorithms, and/or has population frequency not consistent with disease.

Ambry Genetics
Classification: Likely benign for Hereditary cancer-predisposing syndrome. Last evaluated: 2014-05-28. Review status: criteria provided, single submitter. Criteria: Ambry Variant Classification Scheme 2023. Collection method: clinical testing. Allele origin: germline.

Literature cited by the submitters: PubMed 36436516 (cited by Quest Diagnostics Nichols Institute San Juan Capistrano and European Reference Network on Genetic Tumour Risk Syndromes (ERN-GENTURIS), i3s - Instituto de Investigação e Inovação em Saúde, University of Porto).